The following is an entry in ClinVar:

NM_000092.5(COL4A4):c.665C>T (p.Pro222Leu)

Gene: COL4A4 (collagen type IV alpha 4 chain; minus strand). Cytogenetic location: 2q36.3.
Variant type: single nucleotide variant.
Coding change: c.665C>T on transcript NM_000092.5 (MANE Select); coding-DNA position 665, C replaced by T.
Protein change: p.Pro222Leu; replaces proline 222 with leucine.
Molecular consequence: missense variant.
Genome position (GRCh38, 1-based): chr2:227,108,861, G>A on the plus strand (C>T on the coding strand, the complement: COL4A4 is on the minus strand). VCF-style: chr2-227108861-G-A. GRCh37 (hg19) VCF-style: chr2-227973577-G-A.
Other names: short protein forms P222L.
Identifiers: ClinVar variation 522542 (VCV000522542.12), dbSNP rs773533313, ClinGen allele CA2145502.

ClinVar aggregate classification (germline): Conflicting classifications of pathogenicity. Review status: criteria provided, conflicting classifications (1 of 4 stars). 5 submissions from 5 submitters: Uncertain significance (1); Likely benign (3). 1 of the submissions does not count toward it. Last evaluated 2026-06-01.

Conditions:
Autosomal recessive Alport syndrome (ATS2). Also called: COL4A3-Related Nephropathy; Alport syndrome type 2; ALPORT SYNDROME 2, AUTOSOMAL RECESSIVE; COL4A4 Alport Syndrome and Thin Basement Membrane Nephropathy. Identifiers: Orphanet 63, Orphanet 88919, MedGen C4746745, MONDO:0008762, OMIM 203780.
Benign familial hematuria. Also called: thin basement membrane disease. Identifiers: MedGen C0241908, MONDO:0957317.
COL4A4-related disorder.
Autosomal dominant Alport syndrome (ATS3A). Also called: ALPORT SYNDROME 3A, AUTOSOMAL DOMINANT; Alport syndrome dominant type; Renal failure and sensorineural hearing loss. Identifiers: Orphanet 63, Orphanet 88918, MedGen C5882663, MONDO:0007086, OMIM 104200.

Allele frequency attached by ClinVar (database versions not stated): gnomAD exomes 0.00006 and 0.00012; ExAC 0.00019; TOPMed 0.00003; gnomAD 0.00003.
gnomAD v4.1: 106 of 1,611,632 alleles (0.0066%); highest among the groups gnomAD compares: South Asian, 0.068%; 1 homozygote.

Submissions (5):

PreventionGenetics, part of Exact Sciences
Classification: Uncertain significance for COL4A4-related condition. Last evaluated: 2026-06-01. Review status: criteria provided, single submitter. Criteria: ACMG Guidelines, 2015. Collection method: clinical testing. Allele origin: germline.
Comment: The COL4A4 c.665C>T variant is predicted to result in the amino acid substitution p.Pro222Leu. This variant was reported in the heterozygous state in an individual with Alport syndrome without a second potentially causative variant (Yavaş et al. 2022. PubMed ID: 36134775). This variant is reported in 0.077% of alleles in individuals of South Asian descent in gnomAD, including one homozygote in the larger gnomAD v4.1.0 database. Although we suspect that this variant may be benign, at this time, the clinical significance of this variant is uncertain due to the absence of conclusive functional and genetic evidence.

Labcorp Genetics (formerly Invitae), Labcorp
Classification: Likely benign. Last evaluated: 2025-12-14. Review status: criteria provided, single submitter. Criteria: Invitae Variant Classification Sherloc (09022015). Collection method: clinical testing. Allele origin: germline.

Fulgent Genetics
Classification: Likely benign for Hematuria, benign familial, 1; Autosomal recessive Alport syndrome. Last evaluated: 2022-02-18. Review status: criteria provided, single submitter. Criteria: ACMG Guidelines, 2015. Collection method: clinical testing. Allele origin: unknown.

Breakthrough Genomics
Classification: Likely benign. Review status: criteria provided, single submitter. Criteria: ACMG Guidelines, 2015. Collection method: not provided. Allele origin: germline. Inheritance: Autosomal recessive inheritance. Affected: yes.

Bioscientia Institut fuer Medizinische Diagnostik GmbH, Sonic Healthcare
Classification: Uncertain significance for Autosomal dominant Alport syndrome. Last evaluated: 2017-11-28. Review status: no assertion criteria provided. Collection method: clinical testing. Allele origin: germline. Affected: yes. Not counted in ClinVar's aggregate classification.